The following is an entry in ClinVar:

NM_001042492.3(NF1):c.3486G>T (p.Met1162Ile)

Gene: NF1 (neurofibromin 1; plus strand). Cytogenetic location: 17q11.2.
Variant type: single nucleotide variant.
Coding change: c.3486G>T on transcript NM_001042492.3 (MANE Select); coding-DNA position 3486, G replaced by T.
Protein change: p.Met1162Ile; replaces methionine 1162 with isoleucine.
Molecular consequence: missense variant.
Genome position (GRCh38, 1-based): chr17:31,232,871, G>T. VCF-style: chr17-31232871-G-T. GRCh37 (hg19) VCF-style: chr17-29559889-G-T.
Other names: c.3486G>T, p.Met1162Ile (NM_000267.4); short protein forms M1162I.
Identifiers: ClinVar variation 2075533 (VCV002075533.4), dbSNP rs2151434863, ClinGen allele CA398989456.

ClinVar aggregate classification (germline): Uncertain significance (1 of 4 stars; one submission).

Conditions:
Neurofibromatosis, type 1 (NF1). Also called: Neurofibromatosis, type I; VON RECKLINGHAUSEN DISEASE; NEUROFIBROMATOSIS, TYPE I, SOMATIC; Peripheral type neurofibromatosis. Identifiers: Orphanet 636, MedGen C0027831, MONDO:0018975, OMIM 162200. Disease mechanism: loss of function.

Submission:

Labcorp Genetics (formerly Invitae), Labcorp
Classification: Uncertain significance for Neurofibromatosis, type 1. Last evaluated: 2022-01-10. Review status: criteria provided, single submitter. Criteria: Invitae Variant Classification Sherloc (09022015). Collection method: clinical testing. Allele origin: germline.
Comment: This variant has not been reported in the literature in individuals affected with NF1-related conditions. In summary, the available evidence is currently insufficient to determine the role of this variant in disease. Therefore, it has been classified as a Variant of Uncertain Significance. Advanced modeling of protein sequence and biophysical properties (such as structural, functional, and spatial information, amino acid conservation, physicochemical variation, residue mobility, and thermodynamic stability) performed at Invitae indicates that this missense variant is expected to disrupt NF1 protein function. This variant is not present in population databases (gnomAD no frequency). This sequence change replaces methionine, which is neutral and non-polar, with isoleucine, which is neutral and non-polar, at codon 1162 of the NF1 protein (p.Met1162Ile).